The following is an entry in ClinVar:

ClinVar aggregate classification (germline): Uncertain significance (1 of 4 stars; one submission).

Submission:

Labcorp Genetics (formerly Invitae), Labcorp
Classification: Uncertain significance. Last evaluated: 2024-07-16. Review status: criteria provided, single submitter. Criteria: Invitae Variant Classification Sherloc (09022015). Collection method: clinical testing. Allele origin: germline.
Comment: This sequence change replaces leucine, which is neutral and non-polar, with proline, which is neutral and non-polar, at codon 1837 of the POLE protein (p.Leu1837Pro). This variant is not present in population databases (gnomAD no frequency). This variant has not been reported in the literature in individuals affected with POLE-related conditions. Advanced modeling of protein sequence and biophysical properties (such as structural, functional, and spatial information, amino acid conservation, physicochemical variation, residue mobility, and thermodynamic stability) performed at Invitae indicates that this missense variant is expected to disrupt POLE protein function with a positive predictive value of 80%. In summary, the available evidence is currently insufficient to determine the role of this variant in disease. Therefore, it has been classified as a Variant of Uncertain Significance.

NM_006231.4(POLE):c.5510T>C (p.Leu1837Pro)

Gene: POLE (DNA polymerase epsilon, catalytic subunit; minus strand). Cytogenetic location: 12q24.33.
Variant type: single nucleotide variant.
Coding change: c.5510T>C on transcript NM_006231.4 (MANE Select); coding-DNA position 5510, T replaced by C.
Protein change: p.Leu1837Pro; replaces leucine 1837 with proline.
Molecular consequence: missense variant.
Genome position (GRCh38, 1-based): chr12:132,639,167, A>G on the plus strand (T>C on the coding strand, the complement: POLE is on the minus strand). VCF-style: chr12-132639167-A-G. GRCh37 (hg19) VCF-style: chr12-133215753-A-G.
Other names: short protein forms L1837P.
Identifiers: ClinVar variation 3659597 (VCV003659597.2).